The following is an entry in ClinVar:

NM_021975.4(RELA):c.877+6C>G

Gene: RELA (RELA proto-oncogene, NF-kB subunit; minus strand). Cytogenetic location: 11q13.1.
Variant type: single nucleotide variant.
Coding change: c.877+6C>G on transcript NM_021975.4 (MANE Select); 6 bases into the intron after coding-DNA position 877, C replaced by G.
Molecular consequence: intron variant.
Genome position (GRCh38, 1-based): chr11:65,658,281, G>C on the plus strand (C>G on the coding strand, the complement: RELA is on the minus strand). VCF-style: chr11-65658281-G-C. GRCh37 (hg19) VCF-style: chr11-65425752-G-C.
Other names: c.868+6C>G (NM_001145138.2); c.877+6C>G (NM_001243984.2, NM_001243985.2).
Identifiers: ClinVar variation 1466668 (VCV001466668.6), dbSNP rs2135559597, ClinGen allele CA2573147386.
Genomic context (GRCh38, chr11:65,658,281, plus strand): 5'-CAGTCTTGGCCTCTCTCTCACGGCACAGAGCCCAGCTGCCCTGATGCTGCCACCCCAGCT[G>C]TGTACCTGTATCTGGCAGGTACTGGAATTCCATGGGCTCACTGAGCTCCCGGTCGGAAGG-3'

ClinVar aggregate classification (germline): Uncertain significance (1 of 4 stars; one submission).

gnomAD v4.1: 2 of 1,579,376 alleles (0.00013%); highest among the groups gnomAD compares: Admixed American, 0.0019%; no homozygotes.

Submission:

Labcorp Genetics (formerly Invitae), Labcorp
Classification: Uncertain significance. Last evaluated: 2022-07-24. Review status: criteria provided, single submitter. Criteria: Invitae Variant Classification Sherloc (09022015). Collection method: clinical testing. Allele origin: germline.
Comment: This variant has not been reported in the literature in individuals affected with RELA-related conditions. ClinVar contains an entry for this variant (Variation ID: 1466668). This sequence change falls in intron 8 of the RELA gene. It does not directly change the encoded amino acid sequence of the RELA protein. It affects a nucleotide within the consensus splice site. This variant is not present in population databases (gnomAD no frequency). In summary, the available evidence is currently insufficient to determine the role of this variant in disease. Therefore, it has been classified as a Variant of Uncertain Significance. Variants that disrupt the consensus splice site are a relatively common cause of aberrant splicing (PMID: 17576681, 9536098). Algorithms developed to predict the effect of sequence changes on RNA splicing suggest that this variant is not likely to affect RNA splicing.

Literature cited by the submitters: PubMed 17576681; PubMed 9536098.